The following is an entry in ClinVar:

NM_001164508.2(NEB):c.24690C>G (p.Asn8230Lys)

Genes: NEB (nebulin; minus strand), RIF1 (replication timing regulatory factor 1; plus strand). Cytogenetic location: 2q23.3.
Variant type: single nucleotide variant.
Coding change: c.24690C>G on transcript NM_001164508.2 (MANE Select); coding-DNA position 24690, C replaced by G.
Protein change: p.Asn8230Lys; replaces asparagine 8230 with lysine.
Molecular consequence: missense variant.
Genome position (GRCh38, 1-based): chr2:151,493,428, G>C on the plus strand (C>G on the coding strand, the complement: NEB is on the minus strand). VCF-style: chr2-151493428-G-C. GRCh37 (hg19) VCF-style: chr2-152349942-G-C.
Other names: c.24690C>G, p.Asn8230Lys (NM_001164507.2); c.24795C>G, p.Asn8265Lys (NM_001271208.2); c.19122C>G, p.Asn6374Lys (NM_004543.5); short protein forms N8265K, N6374K, N8230K.
Identifiers: ClinVar variation 1037671 (VCV001037671.8), dbSNP rs2058061871, ClinGen allele CA348774956.

ClinVar aggregate classification (germline): Uncertain significance (1 of 4 stars; one submission).

Conditions:
Nemaline myopathy 2 (NEM2). Also called: Nemaline myopathy 2, autosomal recessive. Identifiers: MedGen C1850569, MONDO:0009725, OMIM 256030.

Submission:

Labcorp Genetics (formerly Invitae), Labcorp
Classification: Uncertain significance for Nemaline myopathy 2. Last evaluated: 2018-06-29. Review status: criteria provided, single submitter. Criteria: Invitae Variant Classification Sherloc (09022015). Collection method: clinical testing. Allele origin: germline.
Comment: In summary, the available evidence is currently insufficient to determine the role of this variant in disease. Therefore, it has been classified as a Variant of Uncertain Significance. Algorithms developed to predict the effect of missense changes on protein structure and function are either unavailable or do not agree on the potential impact of this missense change (SIFT: "Deleterious"; PolyPhen-2: "Not Available"; Align-GVGD: "Class C0"). This variant has not been reported in the literature in individuals with NEB-related disease. This variant is not present in population databases (ExAC no frequency). This sequence change replaces asparagine with lysine at codon 8265 of the NEB protein (p.Asn8265Lys). The asparagine residue is moderately conserved and there is a moderate physicochemical difference between asparagine and lysine.